The following is an entry in ClinVar:

ClinVar aggregate classification (germline): Uncertain significance. Review status: criteria provided, multiple submitters, no conflicts (2 of 4 stars). 2 submissions from 2 submitters: Uncertain significance (2). Last evaluated 2025-05-12.

gnomAD v4.1: 1 of 1,613,472 alleles (0.000062%); highest among the groups gnomAD compares: East Asian, 0.0022%; no homozygotes.

Submissions (2):

GeneDx
Classification: Uncertain significance. Last evaluated: 2025-05-12. Review status: criteria provided, single submitter. Criteria: GeneDx Variant Classification Process June 2021. Collection method: clinical testing. Allele origin: germline. Affected: yes.
Comment: Not observed at significant frequency in large population cohorts (gnomAD); In silico analysis supports that this missense variant has a deleterious effect on protein structure/function; Has not been previously published as pathogenic or benign to our knowledge

Labcorp Genetics (formerly Invitae), Labcorp
Classification: Uncertain significance. Last evaluated: 2023-08-21. Review status: criteria provided, single submitter. Criteria: Invitae Variant Classification Sherloc (09022015). Collection method: clinical testing. Allele origin: germline.
Comment: This sequence change replaces leucine, which is neutral and non-polar, with phenylalanine, which is neutral and non-polar, at codon 992 of the SCN3A protein (p.Leu992Phe). This variant is present in population databases (no rsID available, gnomAD 0.006%). This variant has not been reported in the literature in individuals affected with SCN3A-related conditions. Advanced modeling of protein sequence and biophysical properties (such as structural, functional, and spatial information, amino acid conservation, physicochemical variation, residue mobility, and thermodynamic stability) has been performed at Invitae for this missense variant, however the output from this modeling did not meet the statistical confidence thresholds required to predict the impact of this variant on SCN3A protein function. In summary, the available evidence is currently insufficient to determine the role of this variant in disease. Therefore, it has been classified as a Variant of Uncertain Significance.

NM_006922.4(SCN3A):c.2974C>T (p.Leu992Phe)

Gene: SCN3A (sodium voltage-gated channel alpha subunit 3; minus strand). Cytogenetic location: 2q24.3.
Variant type: single nucleotide variant.
Coding change: c.2974C>T on transcript NM_006922.4 (MANE Select); coding-DNA position 2974, C replaced by T.
Protein change: p.Leu992Phe; replaces leucine 992 with phenylalanine.
Molecular consequence: missense variant.
Genome position (GRCh38, 1-based): chr2:165,128,050, G>A on the plus strand (C>T on the coding strand, the complement: SCN3A is on the minus strand). VCF-style: chr2-165128050-G-A. GRCh37 (hg19) VCF-style: chr2-165984560-G-A.
Other names: c.2974C>T (NM_006922.3); c.2827C>T, p.Leu943Phe (NM_001081676.2, NM_001081677.2); short protein forms L943F, L992F.
Identifiers: ClinVar variation 2749666 (VCV002749666.4), dbSNP rs1338996940, ClinGen allele CA349041689.